The following is an entry in ClinVar:

NM_000465.4(BARD1):c.1297C>T (p.His433Tyr)

Gene: BARD1 (BRCA1 associated RING domain 1; minus strand). Cytogenetic location: 2q35.
Variant type: single nucleotide variant.
Coding change: c.1297C>T on transcript NM_000465.4 (MANE Select); coding-DNA position 1297, C replaced by T.
Protein change: p.His433Tyr; replaces histidine 433 with tyrosine.
Molecular consequence: missense variant. On other transcripts: non-coding transcript variant (2), intron variant (3).
Genome position (GRCh38, 1-based): chr2:214,780,577, G>A on the plus strand (C>T on the coding strand, the complement: BARD1 is on the minus strand). VCF-style: chr2-214780577-G-A. GRCh37 (hg19) VCF-style: chr2-215645301-G-A.
Other names: c.1240C>T, p.His414Tyr (NM_001282543.2); c.159-28022C>T (NM_001282548.2); c.215+16484C>T (NM_001282545.2); c.364+11720C>T (NM_001282549.2); short protein forms H414Y, H433Y.
Identifiers: ClinVar variation 801884 (VCV000801884.16), dbSNP rs1574815914, ClinGen allele CA350453285.

ClinVar aggregate classification (germline): Uncertain significance. Review status: criteria provided, multiple submitters, no conflicts (2 of 4 stars). 3 submissions from 3 submitters: Uncertain significance (3). Last evaluated 2024-09-02.

Conditions:
Hereditary cancer-predisposing syndrome. Also called: Tumor predisposition; Neoplastic Syndromes, Hereditary; Hereditary Cancer Syndrome; Hereditary neoplastic syndrome. Identifiers: Orphanet 140162, MedGen C0027672, MeSH D009386, MONDO:0015356.
Familial cancer of breast. Also called: hereditary breast carcinoma; BREAST CANCER, FAMILIAL; Hereditary breast cancer. Identifiers: Orphanet 227535, MedGen C0346153, MONDO:0016419, OMIM 114480. Disease mechanism: loss of function.

Submissions (3):

Ambry Genetics
Classification: Uncertain significance for Hereditary cancer-predisposing syndrome. Last evaluated: 2024-09-02. Review status: criteria provided, single submitter. Criteria: Ambry Variant Classification Scheme 2023. Collection method: clinical testing. Allele origin: germline.
Comment: The p.H433Y variant (also known as c.1297C>T), located in coding exon 4 of the BARD1 gene, results from a C to T substitution at nucleotide position 1297. The histidine at codon 433 is replaced by tyrosine, an amino acid with similar properties. This amino acid position is highly conserved through mammals but not in all available vertebrate species. In addition, this alteration is predicted to be deleterious by in silico analysis. Since supporting evidence is limited at this time, the clinical significance of this alteration remains unclear.

Labcorp Genetics (formerly Invitae), Labcorp
Classification: Uncertain significance for Familial cancer of breast. Last evaluated: 2023-06-23. Review status: criteria provided, single submitter. Criteria: Invitae Variant Classification Sherloc (09022015). Collection method: clinical testing. Allele origin: germline.
Comment: This sequence change replaces histidine, which is basic and polar, with tyrosine, which is neutral and polar, at codon 433 of the BARD1 protein (p.His433Tyr). This variant has not been reported in the literature in individuals affected with BARD1-related conditions. This variant is not present in population databases (gnomAD no frequency). In summary, the available evidence is currently insufficient to determine the role of this variant in disease. Therefore, it has been classified as a Variant of Uncertain Significance. An algorithm developed to predict the effect of missense changes on protein structure and function (PolyPhen-2) suggests that this variant is likely to be disruptive. ClinVar contains an entry for this variant (Variation ID: 801884).

Mendelics
Classification: Uncertain significance for Familial cancer of breast. Last evaluated: 2019-05-28. Review status: criteria provided, single submitter. Criteria: Mendelics Assertion Criteria 2017. Collection method: clinical testing. Allele origin: unknown.